The following is an entry in ClinVar:

ClinVar aggregate classification (germline): Uncertain significance. Review status: criteria provided, multiple submitters, no conflicts (2 of 4 stars). 2 submissions from 2 submitters: Uncertain significance (2). Last evaluated 2024-05-08.

Conditions:
Hereditary cancer-predisposing syndrome. Also called: Neoplastic Syndromes, Hereditary; Tumor predisposition; Hereditary neoplastic syndrome; Hereditary Cancer Syndrome. Identifiers: Orphanet 140162, MedGen C0027672, MeSH D009386, MONDO:0015356.
Familial adenomatous polyposis 1 (FAP1). Also called: POLYPOSIS, ADENOMATOUS INTESTINAL; FAMILIAL ADENOMATOUS POLYPOSIS 1, ATTENUATED. Identifiers: MedGen C2713442, MONDO:0021056, OMIM 175100. Disease mechanism: loss of function.

Allele frequency attached by ClinVar (database versions not stated): gnomAD exomes below 0.00001.
gnomAD v4.1: 1 of 1,614,054 alleles (0.000062%); highest among the groups gnomAD compares: East Asian, 0.0022%; no homozygotes.

Submissions (2):

Ambry Genetics
Classification: Uncertain significance for Hereditary cancer-predisposing syndrome. Last evaluated: 2024-05-08. Review status: criteria provided, single submitter. Criteria: Ambry Variant Classification Scheme 2023. Collection method: clinical testing. Allele origin: germline.
Comment: The p.T1692A variant (also known as c.5074A>G), located in coding exon 15 of the APC gene, results from an A to G substitution at nucleotide position 5074. The threonine at codon 1692 is replaced by alanine, an amino acid with similar properties. This amino acid position is well conserved in available vertebrate species. In addition, in silico predictors for this gene do not accurately predict pathogenicity. Missense alterations in APC are not a common cause of disease (Spier I et al. Genet Med. 2024 Feb;26(2):100992). Based on the available evidence, the clinical significance of this variant remains unclear.

Labcorp Genetics (formerly Invitae), Labcorp
Classification: Uncertain significance for Familial adenomatous polyposis 1. Last evaluated: 2023-08-02. Review status: criteria provided, single submitter. Criteria: Invitae Variant Classification Sherloc (09022015). Collection method: clinical testing. Allele origin: germline.
Comment: This variant has not been reported in the literature in individuals affected with APC-related conditions. ClinVar contains an entry for this variant (Variation ID: 825417). Advanced modeling of protein sequence and biophysical properties (such as structural, functional, and spatial information, amino acid conservation, physicochemical variation, residue mobility, and thermodynamic stability) performed at Invitae indicates that this missense variant is not expected to disrupt APC protein function. In summary, the available evidence is currently insufficient to determine the role of this variant in disease. Therefore, it has been classified as a Variant of Uncertain Significance. This sequence change replaces threonine, which is neutral and polar, with alanine, which is neutral and non-polar, at codon 1692 of the APC protein (p.Thr1692Ala). This variant is not present in population databases (gnomAD no frequency).

NM_000038.6(APC):c.5074A>G (p.Thr1692Ala)

Gene: APC (APC regulator of Wnt signaling pathway; plus strand). Cytogenetic location: 5q22.2.
Variant type: single nucleotide variant.
Coding change: c.5074A>G on transcript NM_000038.6 (MANE Select); coding-DNA position 5074, A replaced by G.
Protein change: p.Thr1692Ala; replaces threonine 1692 with alanine.
Molecular consequence: missense variant.
Genome position (GRCh38, 1-based): chr5:112,840,668, A>G. VCF-style: chr5-112840668-A-G. GRCh37 (hg19) VCF-style: chr5-112176365-A-G.
Other names: c.4999A>G, p.Thr1667Ala (NM_001354898.2); c.4990A>G, p.Thr1664Ala (NM_001354899.2); c.4951A>G, p.Thr1651Ala (NM_001354900.2); c.4897A>G, p.Thr1633Ala (NM_001354901.2); c.4801A>G, p.Thr1601Ala (NM_001354902.2); c.4771A>G, p.Thr1591Ala (NM_001354903.2); c.4696A>G, p.Thr1566Ala (NM_001354904.2); c.4594A>G, p.Thr1532Ala (NM_001354905.2); and 5 more; short protein forms T1532A, T1664A, T1667A, T1651A, T1566A, T1633A, T1674A, T1692A.
Identifiers: ClinVar variation 825417 (VCV000825417.8), dbSNP rs1027003095, ClinGen allele CA16032425.
Genomic context (GRCh38, chr5:112,840,668, plus strand): 5'-GGAGAAGGAGTTAGAGGAGGGGCACAGTCAGGTGAATTTGAAAAACGAGATACCATTCCT[A>G]CAGAAGGCAGAAGTACAGATGAGGCTCAAGGAGGAAAAACCTCATCTGTAACCATACCTG-3'
Protein context (NP_000029.2, residues 1682-1702): GEFEKRDTIP[Thr1692Ala]EGRSTDEAQG